The following is an entry in ClinVar:

NM_001142800.2(EYS):c.4941A>C (p.Glu1647Asp)

Gene: EYS (EGF-like photoreceptor maintenance factor; minus strand). Cytogenetic location: 6q12.
Variant type: single nucleotide variant.
Coding change: c.4941A>C on transcript NM_001142800.2 (MANE Select); coding-DNA position 4941, A replaced by C.
Protein change: p.Glu1647Asp; replaces glutamic acid 1647 with aspartic acid.
Molecular consequence: missense variant.
Genome position (GRCh38, 1-based): chr6:64,590,926, T>G on the plus strand (A>C on the coding strand, the complement: EYS is on the minus strand). VCF-style: chr6-64590926-T-G. GRCh37 (hg19) VCF-style: chr6-65300819-T-G.
Other names: c.4941A>C, p.Glu1647Asp (NM_001292009.2); short protein forms E1647D.
Identifiers: ClinVar variation 1025229 (VCV001025229.8), dbSNP rs1361251812, ClinGen allele CA364782204.

ClinVar aggregate classification (germline): Uncertain significance (1 of 4 stars; one submission).

gnomAD v4.1: 1 of 1,550,710 alleles (0.000064%); highest among the groups gnomAD compares: Non-Finnish European, 0.000087%; no homozygotes.

Submission:

Labcorp Genetics (formerly Invitae), Labcorp
Classification: Uncertain significance. Last evaluated: 2025-11-10. Review status: criteria provided, single submitter. Criteria: Invitae Variant Classification Sherloc (09022015). Collection method: clinical testing. Allele origin: germline.
Comment: This sequence change replaces glutamic acid, which is acidic and polar, with aspartic acid, which is acidic and polar, at codon 1647 of the EYS protein (p.Glu1647Asp). This variant is not present in population databases (gnomAD no frequency). This variant has not been reported in the literature in individuals affected with EYS-related conditions. ClinVar contains an entry for this variant (Variation ID: 1025229). Invitae Evidence Modeling of protein sequence and biophysical properties (such as structural, functional, and spatial information, amino acid conservation, physicochemical variation, residue mobility, and thermodynamic stability) indicates that this missense variant is not expected to disrupt EYS protein function with a negative predictive value of 80%. In summary, the available evidence is currently insufficient to determine the role of this variant in disease. Therefore, it has been classified as a Variant of Uncertain Significance.